The following is an entry in ClinVar:

ClinVar aggregate classification (germline): Benign. Review status: criteria provided, multiple submitters, no conflicts (2 of 4 stars). 5 submissions from 5 submitters: Benign (3). 2 of the submissions do not count toward it. Last evaluated 2026-02-01.

Conditions:
TET2-related disorder. Also called: TET2-related condition.

Allele frequency attached by ClinVar (database versions not stated): 1000 Genomes Project 30x 0.01686; ExAC 0.02681; gnomAD exomes 0.02876; TOPMed 0.02906; ESP Exome Variant Server 0.03129; gnomAD 0.02802 and 0.02834; 1000 Genomes Project 0.01677.
gnomAD v4.1: 60,454 of 1,614,054 alleles (3.7%); highest among the groups gnomAD compares: Non-Finnish European, 4.4%; 1,339 homozygotes.

Submissions (5):

Labcorp Genetics (formerly Invitae), Labcorp
Classification: Benign. Last evaluated: 2026-02-01. Review status: criteria provided, single submitter. Criteria: Invitae Variant Classification Sherloc (09022015). Collection method: clinical testing. Allele origin: germline.

ARUP Laboratories, Molecular Genetics and Genomics, ARUP Laboratories
Classification: Benign. Last evaluated: 2025-07-14. Review status: criteria provided, single submitter. Criteria: ARUP Molecular Germline Variant Investigation Process 2024. Collection method: clinical testing. Allele origin: germline.

Mayo Clinic Laboratories, Mayo Clinic
Classification: Benign. Last evaluated: 2023-04-19. Review status: criteria provided, single submitter. Criteria: ACMG Guidelines, 2015. Collection method: clinical testing. Allele origin: germline. Observed: 21 variant alleles.
Comment: BS2, BP4

PreventionGenetics, part of Exact Sciences
Classification: Benign for TET2-related condition. Last evaluated: 2021-09-13. Review status: no assertion criteria provided. Collection method: clinical testing. Allele origin: germline. Not counted in ClinVar's aggregate classification.
Comment: This variant is classified as benign based on ACMG/AMP sequence variant interpretation guidelines (Richards et al. 2015 PMID: 25741868, with internal and published modifications).

ITMI
No classification provided. Condition: AllHighlyPenetrant. Last evaluated: 2013-09-19. Review status: no classification provided. Collection method: reference population. Allele origin: germline. Not counted in ClinVar's aggregate classification.
Comment: Please see associated publication for description of ethnicities

Literature cited by the submitters: PubMed 24728327 (cited by ITMI).

NM_001127208.3(TET2):c.1064G>A (p.Gly355Asp)

Genes: TET2 (tet methylcytosine dioxygenase 2; plus strand), TET2-AS1 (TET2 antisense RNA 1; minus strand). Cytogenetic location: 4q24.
Variant type: single nucleotide variant.
Coding change: c.1064G>A on transcript NM_001127208.3 (MANE Select); coding-DNA position 1064, G replaced by A.
Protein change: p.Gly355Asp; replaces glycine 355 with aspartic acid.
Molecular consequence: missense variant.
Genome position (GRCh38, 1-based): chr4:105,235,006, G>A. VCF-style: chr4-105235006-G-A. GRCh37 (hg19) VCF-style: chr4-106156163-G-A.
Other names: c.1064G>A, p.Gly355Asp (NM_017628.4); c.1064G>A (NM_001127208.2); short protein forms G355D.
Identifiers: ClinVar variation 135317 (VCV000135317.11), dbSNP rs61744960, ClinGen allele CA162350.